The following is an entry in ClinVar:

ClinVar aggregate classification (germline): Uncertain significance. Review status: criteria provided, multiple submitters, no conflicts (2 of 4 stars). 2 submissions from 2 submitters: Uncertain significance (2). Last evaluated 2021-11-24.

Submissions (2):

Ambry Genetics
Classification: Uncertain significance. Last evaluated: 2021-11-24. Review status: criteria provided, single submitter. Criteria: Ambry Variant Classification Scheme 2023. Collection method: clinical testing. Allele origin: germline.
Comment: The p.D54H variant (also known as c.160G>C), located in coding exon 2 of the RECQL gene, results from a G to C substitution at nucleotide position 160. The aspartic acid at codon 54 is replaced by histidine, an amino acid with similar properties. This amino acid position is conserved. In addition, this alteration is predicted to be tolerated by in silico analysis. Since supporting evidence is limited at this time, the clinical significance of this alteration remains unclear.

Labcorp Genetics (formerly Invitae), Labcorp
Classification: Uncertain significance. Last evaluated: 2020-04-13. Review status: criteria provided, single submitter. Criteria: Invitae Variant Classification Sherloc (09022015). Collection method: clinical testing. Allele origin: germline.
Comment: Algorithms developed to predict the effect of missense changes on protein structure and function (SIFT, PolyPhen-2, Align-GVGD) all suggest that this variant is likely to be tolerated, but these predictions have not been confirmed by published functional studies and their clinical significance is uncertain. In summary, the available evidence is currently insufficient to determine the role of this variant in disease. Therefore, it has been classified as a Variant of Uncertain Significance. This variant has not been reported in the literature in individuals with RECQL-related conditions. This sequence change replaces aspartic acid with histidine at codon 54 of the RECQL protein (p.Asp54His). The aspartic acid residue is weakly conserved and there is a moderate physicochemical difference between aspartic acid and histidine. This variant is not present in population databases (ExAC no frequency).

NM_002907.4(RECQL):c.160G>C (p.Asp54His)

Gene: RECQL (RecQ like helicase; minus strand). Cytogenetic location: 12p12.1.
Variant type: single nucleotide variant.
Coding change: c.160G>C on transcript NM_002907.4 (MANE Select); coding-DNA position 160, G replaced by C.
Protein change: p.Asp54His; replaces aspartic acid 54 with histidine.
Molecular consequence: missense variant.
Genome position (GRCh38, 1-based): chr12:21,491,573, C>G on the plus strand (G>C on the coding strand, the complement: RECQL is on the minus strand). VCF-style: chr12-21491573-C-G. GRCh37 (hg19) VCF-style: chr12-21644507-C-G.
Other names: c.160G>C, p.Asp54His (NM_032941.3); short protein forms D54H.
Identifiers: ClinVar variation 1055461 (VCV001055461.11), dbSNP rs751876256, ClinGen allele CA384134333.